The following is an entry in ClinVar:

NM_001963.6(EGF):c.1487T>C (p.Met496Thr)

Gene: EGF (epidermal growth factor; plus strand). Cytogenetic location: 4q25.
Variant type: single nucleotide variant.
Coding change: c.1487T>C on transcript NM_001963.6 (MANE Select); coding-DNA position 1487, T replaced by C.
Protein change: p.Met496Thr; replaces methionine 496 with threonine.
Molecular consequence: missense variant.
Genome position (GRCh38, 1-based): chr4:109,964,449, T>C. VCF-style: chr4-109964449-T-C. GRCh37 (hg19) VCF-style: chr4-110885605-T-C.
Other names: c.1487T>C, p.Met496Thr (NM_001178130.3); c.1361T>C, p.Met454Thr (NM_001178131.3, NM_001357021.2); short protein forms M454T, M496T.
Identifiers: ClinVar variation 3603512 (VCV003603512.2).

ClinVar aggregate classification (germline): Uncertain significance (1 of 4 stars; one submission).

gnomAD v4.1: 22 of 1,613,874 alleles (0.0014%); highest among the groups gnomAD compares: African/African-American, 0.0027%; no homozygotes.

Submission:

Labcorp Genetics (formerly Invitae), Labcorp
Classification: Uncertain significance. Last evaluated: 2024-06-09. Review status: criteria provided, single submitter. Criteria: Invitae Variant Classification Sherloc (09022015). Collection method: clinical testing. Allele origin: germline.
Comment: This sequence change replaces methionine, which is neutral and non-polar, with threonine, which is neutral and polar, at codon 496 of the EGF protein (p.Met496Thr). This variant is present in population databases (rs144851583, gnomAD 0.007%). This variant has not been reported in the literature in individuals affected with EGF-related conditions. An algorithm developed to predict the effect of missense changes on protein structure and function (PolyPhen-2) suggests that this variant is likely to be tolerated. In summary, the available evidence is currently insufficient to determine the role of this variant in disease. Therefore, it has been classified as a Variant of Uncertain Significance.